The following is an entry in ClinVar:

ClinVar aggregate classification (germline): Conflicting classifications of pathogenicity. Review status: criteria provided, conflicting classifications (1 of 4 stars). 4 submissions from 4 submitters: Uncertain significance (1); Likely benign (3). Last evaluated 2025-08-13.

Conditions:
Peroxisome biogenesis disorder 12A (Zellweger). Also called: Peroxisome biogenesis disorder 12A. Identifiers: Orphanet 912, MedGen C3554002, MONDO:0013951, OMIM 614886.

Allele frequency attached by ClinVar (database versions not stated): ExAC 0.00007; ESP Exome Variant Server 0.00008; TOPMed 0.00013; gnomAD 0.00015 and 0.00016.
gnomAD v4.1: 285 of 1,613,796 alleles (0.018%); highest among the groups gnomAD compares: Non-Finnish European, 0.023%; no homozygotes.

Submissions (4):

Labcorp Genetics (formerly Invitae), Labcorp
Classification: Likely benign for Peroxisome biogenesis disorder 12A (Zellweger). Last evaluated: 2025-08-13. Review status: criteria provided, single submitter. Criteria: Invitae Variant Classification Sherloc (09022015). Collection method: clinical testing. Allele origin: germline.

Blueprint Genetics
Classification: Likely benign. Last evaluated: 2024-04-17. Review status: criteria provided, single submitter. Criteria: ACMG Guidelines, 2015. Collection method: clinical testing. Allele origin: germline.

CeGaT Center for Human Genetics Tuebingen
Classification: Likely benign. Last evaluated: 2022-03-01. Review status: criteria provided, single submitter. Criteria: CeGaT Center For Human Genetics Tuebingen Variant Classification Criteria Version 2. Collection method: clinical testing. Allele origin: germline. Affected: yes. Observed: 1 variant allele.
Comment: PEX19: BP4, BP7

Eurofins Ntd Llc (ga)
Classification: Uncertain significance. Last evaluated: 2016-08-29. Review status: criteria provided, single submitter. Criteria: EGL Classification Definitions 2015. Collection method: clinical testing. Allele origin: germline. Observed: 1 variant allele, 1 heterozygote.

NM_002857.4(PEX19):c.21C>G (p.Gly7=)

Gene: PEX19 (peroxisomal biogenesis factor 19; minus strand). Cytogenetic location: 1q23.2.
Variant type: single nucleotide variant.
Coding change: c.21C>G on transcript NM_002857.4 (MANE Select); coding-DNA position 21, C replaced by G.
Protein change: p.Gly7=; no amino-acid change (glycine 7 retained).
Molecular consequence: synonymous variant. On other transcripts: non-coding transcript variant (2).
Genome position (GRCh38, 1-based): chr1:160,285,104, G>C on the plus strand (C>G on the coding strand, the complement: PEX19 is on the minus strand). VCF-style: chr1-160285104-G-C. GRCh37 (hg19) VCF-style: chr1-160254894-G-C.
Other names: c.21C>G, p.Gly7= (NM_001193644.1).
Identifiers: ClinVar variation 291028 (VCV000291028.48), dbSNP rs140039683, ClinGen allele CA1197517.